The following is an entry in ClinVar:

NM_001243925.2(MAPKAPK3):c.883A>G (p.Ile295Val)

Gene: MAPKAPK3 (MAPK activated protein kinase 3; plus strand). Cytogenetic location: 3p21.2.
Variant type: single nucleotide variant.
Coding change: c.883A>G on transcript NM_001243925.2 (MANE Select); coding-DNA position 883, A replaced by G.
Protein change: p.Ile295Val; replaces isoleucine 295 with valine.
Molecular consequence: missense variant.
Genome position (GRCh38, 1-based): chr3:50,646,793, A>G. VCF-style: chr3-50646793-A-G. GRCh37 (hg19) VCF-style: chr3-50684224-A-G.
Other names: c.883A>G, p.Ile295Val (NM_001243926.2, NM_004635.5); short protein forms I295V.
Identifiers: ClinVar variation 4796851 (VCV004796851.1).
Genomic context (GRCh38, chr3:50,646,793, plus strand): 5'-CCCCTAGCCAAGCAGCTGATCCGCCTCCTGTTGAAGACAGACCCCACAGAGAGGCTGACC[A>G]TCACTCAGTTCATGAACCACCCCTGGATCAACGTGAGCCCCTCCTCCTCCCATGGCAGGC-3'
Protein context (NP_001230854.1, residues 285-305): LKTDPTERLT[Ile295Val]TQFMNHPWIN

ClinVar aggregate classification (germline): Uncertain significance (1 of 4 stars; one submission).

gnomAD v4.1: 1 of 1,613,892 alleles (0.000062%); highest among the groups gnomAD compares: African/African-American, 0.0013%; no homozygotes.

Submission:

Labcorp Genetics (formerly Invitae), Labcorp
Classification: Uncertain significance. Last evaluated: 2025-08-09. Review status: criteria provided, single submitter. Criteria: Invitae Variant Classification Sherloc (09022015). Collection method: clinical testing. Allele origin: germline.
Comment: This sequence change replaces isoleucine, which is neutral and non-polar, with valine, which is neutral and non-polar, at codon 295 of the MAPKAPK3 protein (p.Ile295Val). This variant is not present in population databases (gnomAD no frequency). This variant has not been reported in the literature in individuals affected with MAPKAPK3-related conditions. An algorithm developed to predict the effect of missense changes on protein structure and function (PolyPhen-2) suggests that this variant is likely to be tolerated. In summary, the available evidence is currently insufficient to determine the role of this variant in disease. Therefore, it has been classified as a Variant of Uncertain Significance.